The following is an entry in ClinVar:

NC_000017.10:g.(?_40467763)_(40467838_?)del

Gene: STAT3 (signal transducer and activator of transcription 3; minus strand). Cytogenetic location: 17q21.2.
Variant type: Deletion.
Identifiers: ClinVar variation 2427283 (VCV002427283.8).

ClinVar aggregate classification (germline): Uncertain significance (1 of 4 stars; one submission).

Conditions:
Hyper-IgE recurrent infection syndrome 1, autosomal dominant. Also called: JOB SYNDROME; Hyper-IgE recurrent infection syndrome 1; STAT3 Hyper IgE Syndrome; HYPER-IgE SYNDROME 1, AUTOSOMAL DOMINANT, WITH RECURRENT INFECTIONS; Job's Syndrome. Identifiers: Orphanet 2314, MedGen C2936739, MONDO:0007818, OMIM 147060.
STAT3 gain of function. Identifiers: MedGen C4288261.

Submission:

Labcorp Genetics (formerly Invitae), Labcorp
Classification: Uncertain significance for STAT3 gain of function; Hyper-IgE recurrent infection syndrome 1, autosomal dominant. Last evaluated: 2022-08-19. Review status: criteria provided, single submitter. Criteria: Invitae Variant Classification Sherloc (09022015). Collection method: clinical testing. Allele origin: germline.
Comment: In summary, the available evidence is currently insufficient to determine the role of this variant in disease. Therefore, it has been classified as a Variant of Uncertain Significance. This variant has not been reported in the literature in individuals affected with STAT3-related conditions. This variant is a gross deletion of the genomic region encompassing exon(s) 24 of the STAT3 gene, which includes the termination codon. This deletion extends beyond the assayed region for this gene and therefore may encompass additional genes. While this deletion is not anticipated to lead to nonsense mediated decay, it is expected to alter mRNA translation or result in a truncated protein product.